The following is an entry in ClinVar:

NM_001267550.2(TTN):c.103543A>T (p.Ser34515Cys)

Genes: TTN (titin; minus strand), TTN-AS1 (TTN antisense RNA 1; plus strand). Cytogenetic location: 2q31.2.
Variant type: single nucleotide variant.
Coding change: c.103543A>T on transcript NM_001267550.2 (MANE Select); coding-DNA position 103543, A replaced by T.
Protein change: p.Ser34515Cys; replaces serine 34515 with cysteine.
Molecular consequence: missense variant.
Genome position (GRCh38, 1-based): chr2:178,533,072, T>A on the plus strand (A>T on the coding strand, the complement: TTN is on the minus strand). VCF-style: chr2-178533072-T-A. GRCh37 (hg19) VCF-style: chr2-179397799-T-A.
Other names: c.98620A>T, p.Ser32874Cys (NM_001256850.1); c.76348A>T, p.Ser25450Cys (NM_003319.4); c.95839A>T, p.Ser31947Cys (NM_133378.4); c.76723A>T, p.Ser25575Cys (NM_133432.3); c.76924A>T, p.Ser25642Cys (NM_133437.4); short protein forms S31947C, S25450C, S25575C, S25642C, S32874C, S34515C.
Identifiers: ClinVar variation 2075806 (VCV002075806.4), dbSNP rs1689896999, ClinGen allele CA349414053.

ClinVar aggregate classification (germline): Uncertain significance (1 of 4 stars; one submission).

Conditions:
Dilated cardiomyopathy 1G (CMD1G). Identifiers: Orphanet 154, MedGen C1858763, MONDO:0011400, OMIM 604145.
Autosomal recessive limb-girdle muscular dystrophy type 2J (LGMDR10). Also called: Limb-girdle muscular dystrophy, type 2J; MUSCULAR DYSTROPHY, LIMB-GIRDLE, AUTOSOMAL RECESSIVE 10. Identifiers: Orphanet 140922, MedGen C1837342, MONDO:0012127, OMIM 608807.

Allele frequency attached by ClinVar (database versions not stated): gnomAD 0.00001.
gnomAD v4.1: 1 of 1,613,864 alleles (0.000062%); highest among the groups gnomAD compares: Admixed American, 0.0017%; no homozygotes.

Submission:

Labcorp Genetics (formerly Invitae), Labcorp
Classification: Uncertain significance for Dilated cardiomyopathy 1G; Autosomal recessive limb-girdle muscular dystrophy type 2J. Last evaluated: 2022-11-15. Review status: criteria provided, single submitter. Criteria: Invitae Variant Classification Sherloc (09022015). Collection method: clinical testing. Allele origin: germline.
Comment: Experimental studies and prediction algorithms are not available or were not evaluated, and the functional significance of this variant is currently unknown. In summary, the available evidence is currently insufficient to determine the role of this variant in disease. Therefore, it has been classified as a Variant of Uncertain Significance. This variant is located in the M band of TTN (PMID: 25589632). Variants in this region may be relevant for neuromuscular disorders, but have not been definitively shown to cause cardiomyopathy (PMID: 23975875). This variant has not been reported in the literature in individuals affected with TTN-related conditions. This variant is not present in population databases (gnomAD no frequency). This sequence change replaces serine, which is neutral and polar, with cysteine, which is neutral and slightly polar, at codon 34515 of the TTN protein (p.Ser34515Cys).

Literature cited by the submitters: PubMed 25589632; PubMed 23975875.